The following is an entry in ClinVar:

ClinVar aggregate classification (germline): Likely benign. Review status: criteria provided, multiple submitters, no conflicts (2 of 4 stars). 2 submissions from 2 submitters: Likely benign (2). Last evaluated 2026-01-01.

gnomAD v4.1: 742 of 1,555,212 alleles (0.048%); highest among the groups gnomAD compares: East Asian, 1.2%; 4 homozygotes.

Submissions (5):

CeGaT Center for Human Genetics Tuebingen
Classification: Likely benign. Last evaluated: 2026-01-01. Review status: criteria provided, single submitter. Criteria: CeGaT Center For Human Genetics Tuebingen Variant Classification Criteria Version 2. Collection method: clinical testing. Allele origin: germline. Affected: yes. Observed: 1 variant allele.
Comment: ABCA7: BP4, BS1

Blueprint Genetics
Classification: Likely benign. Last evaluated: 2024-11-21. Review status: criteria provided, single submitter. Criteria: ACMG Guidelines, 2015. Collection method: clinical testing. Allele origin: germline.

Dr. Peter K. Rogan Lab, Western University
No classification provided (evidence only). Condition: Familial cancer of breast. Review status: no classification provided. Collection method: in vitro. Allele origin: not applicable. Functional consequence: retained intron. Not counted in ClinVar's aggregate classification.

Dr. Peter K. Rogan Lab, Western University
No classification provided (evidence only). Condition: Familial cancer of breast. Review status: no classification provided. Collection method: in vitro. Allele origin: not applicable. Functional consequence: retained intron. Not counted in ClinVar's aggregate classification.

Dr. Peter K. Rogan Lab, Western University
No classification provided (evidence only). Condition: Malignant tumor of esophagus. Review status: no classification provided. Collection method: in vitro. Allele origin: not applicable. Functional consequence: retained intron. Not counted in ClinVar's aggregate classification.

NM_019112.4(ABCA7):c.3950+7C>T

Gene: ABCA7 (ATP binding cassette subfamily A member 7; plus strand). Cytogenetic location: 19p13.3.
Variant type: single nucleotide variant.
Coding change: c.3950+7C>T on transcript NM_019112.4 (MANE Select); 7 bases into the intron after coding-DNA position 3950, C replaced by T.
Molecular consequence: intron variant.
Genome position (GRCh38, 1-based): chr19:1,054,885, C>T. VCF-style: chr19-1054885-C-T. GRCh37 (hg19) VCF-style: chr19-1054884-C-T.
Other names: NC_000019.9:g.1054884C>T.
Identifiers: ClinVar variation 4433541 (VCV004433541.6).